The following is an entry in ClinVar:

NM_178822.5(IGSF10):c.5251C>T (p.Arg1751Cys)

Gene: IGSF10 (immunoglobulin superfamily member 10; minus strand). Cytogenetic location: 3q25.1.
Variant type: single nucleotide variant.
Coding change: c.5251C>T on transcript NM_178822.5 (MANE Select); coding-DNA position 5251, C replaced by T.
Protein change: p.Arg1751Cys; replaces arginine 1751 with cysteine.
Molecular consequence: missense variant.
Genome position (GRCh38, 1-based): chr3:151,443,696, G>A on the plus strand (C>T on the coding strand, the complement: IGSF10 is on the minus strand). VCF-style: chr3-151443696-G-A. GRCh37 (hg19) VCF-style: chr3-151161484-G-A.
Other names: c.5251C>T, p.Arg1751Cys (NM_001385060.1, NM_001385061.1, NM_001385062.1 and 1 more transcripts); short protein forms R1751C.
Identifiers: ClinVar variation 3629343 (VCV003629343.2).
Genomic context (GRCh38, chr3:151,443,696, plus strand): 5'-CTTCTGCTCTGCACTTCAGTTCCACAGTGCTTCCGGAATGAACTGTGATCTCTTTGGTAC[G>A]TCTCTCCAGGATCCTGGGAGGATAGGAAACCACAGACAAGGTGACATGAAGGTGGTCTGT-3'
Protein context (NP_849144.2, residues 1741-1761): VSYPPRILER[Arg1751Cys]TKEITVHSGS

ClinVar aggregate classification (germline): Uncertain significance (1 of 4 stars; one submission).

gnomAD v4.1: 10 of 1,614,050 alleles (0.00062%); highest among the groups gnomAD compares: African/African-American, 0.0053%; no homozygotes.

Submission:

Labcorp Genetics (formerly Invitae), Labcorp
Classification: Uncertain significance. Last evaluated: 2024-08-31. Review status: criteria provided, single submitter. Criteria: Invitae Variant Classification Sherloc (09022015). Collection method: clinical testing. Allele origin: germline.
Comment: This sequence change replaces arginine, which is basic and polar, with cysteine, which is neutral and slightly polar, at codon 1751 of the IGSF10 protein (p.Arg1751Cys). This variant is present in population databases (rs369808974, gnomAD 0.007%). This variant has not been reported in the literature in individuals affected with IGSF10-related conditions. An algorithm developed to predict the effect of missense changes on protein structure and function (PolyPhen-2) suggests that this variant is likely to be disruptive. In summary, the available evidence is currently insufficient to determine the role of this variant in disease. Therefore, it has been classified as a Variant of Uncertain Significance.